The following is an entry in ClinVar:

NM_001303052.2(MYT1L):c.322del (p.Glu108fs)

Gene: MYT1L (myelin transcription factor 1 like; minus strand). Cytogenetic location: 2p25.3.
Variant type: Deletion.
Coding change: c.322del on transcript NM_001303052.2 (MANE Select); coding-DNA position 322, one base deleted (G; older notation c.322delG).
Protein change: p.Glu108fs; shifts the reading frame from glutamic acid 108.
Molecular consequence: frameshift variant.
Genome position (GRCh38, 1-based): chr2:1,943,165, C deleted on the plus strand (G on the coding strand, the reverse complement: MYT1L is on the minus strand); the first of 5 consecutive C bases (chr2:1,943,165-1,943,169); deleting any one gives the same sequence. VCF-style (leftmost placement, unchanged base first): chr2-1943164-TC-T. GRCh37 (hg19) VCF-style: chr2-1946936-TC-T.
Other names: c.322del, p.Glu108fs (NM_001329844.2, NM_001329845.1, NM_001329846.3 and 6 more transcripts); short protein forms E108fs.
Identifiers: ClinVar variation 3916762 (VCV003916762.1).

ClinVar aggregate classification (germline): Pathogenic (1 of 4 stars; one submission).

Conditions:
Inborn genetic diseases. Identifiers: MedGen C0950123, MeSH D030342.

Submission:

Ambry Genetics
Classification: Pathogenic for Inborn genetic diseases. Last evaluated: 2025-03-26. Review status: criteria provided, single submitter. Criteria: Ambry Variant Classification Scheme 2023. Collection method: clinical testing. Allele origin: germline.
Comment: The c.322delG (p.E108Rfs*66) alteration, located in exon 9 (coding exon 4) of the MYT1L gene, consists of a deletion of one nucleotide at position 322, causing a translational frameshift with a predicted alternate stop codon after 66 amino acids. This alteration is expected to result in loss of function by premature protein truncation or nonsense-mediated mRNA decay. This variant was not reported in population-based cohorts in the Genome Aggregation Database (gnomAD). Based on the available evidence, this alteration is classified as pathogenic.